The following is an entry in ClinVar:

NM_144997.7(FLCN):c.396+5G>A

Gene: FLCN (folliculin; minus strand). Cytogenetic location: 17p11.2.
Variant type: single nucleotide variant.
Coding change: c.396+5G>A on transcript NM_144997.7 (MANE Select); 5 bases into the intron after coding-DNA position 396, G replaced by A.
Molecular consequence: intron variant.
Genome position (GRCh38, 1-based): chr17:17,226,171, C>T on the plus strand (G>A on the coding strand, the complement: FLCN is on the minus strand). VCF-style: chr17-17226171-C-T. GRCh37 (hg19) VCF-style: chr17-17129485-C-T.
Other names: c.396+5G>A (NM_001353231.2, NM_001353230.2, NM_001353229.2 and 1 more transcripts).
Identifiers: ClinVar variation 5021814 (VCV005021814.1).
Genomic context (GRCh38, chr17:17,226,171, plus strand): 5'-CCACCCAGAGCACCTGGGAGCATGTGGGCTCCCACAGAGACAGGCTCTGTGGCCACAAGG[C>T]TCACCTCACAGCTCAGGCTCCGGACACAGGCCTGGCGGACAATGCTGAAGAGCTGGGGGT-3'

ClinVar aggregate classification (germline): Uncertain significance (1 of 4 stars; one submission).

Conditions:
Hereditary cancer-predisposing syndrome. Also called: Neoplastic Syndromes, Hereditary; Tumor predisposition; Hereditary neoplastic syndrome; Hereditary Cancer Syndrome. Identifiers: Orphanet 140162, MedGen C0027672, MeSH D009386, MONDO:0015356.

gnomAD v4.1: 3 of 1,613,940 alleles (0.00019%); highest among the groups gnomAD compares: Non-Finnish European, 0.00025%; no homozygotes.

Submission:

Ambry Genetics
Classification: Uncertain significance for Hereditary cancer-predisposing syndrome. Last evaluated: 2026-06-18. Review status: criteria provided, single submitter. Criteria: Ambry Variant Classification Scheme 2023. Collection method: clinical testing. Allele origin: germline.
Comment: The c.396+5G>A intronic variant results from a G to A substitution 5 nucleotides after coding exon 2 in the FLCN gene. This nucleotide position is highly conserved in available vertebrate species. In silico splice site analysis predicts that this alteration will result in the creation or strengthening of a novel splice donor site. Based on the available evidence, the clinical significance of this variant remains unclear.